The following is an entry in ClinVar:

NM_000077.5(CDKN2A):c.227C>T (p.Ala76Val)

Gene: CDKN2A (cyclin dependent kinase inhibitor 2A; minus strand). Cytogenetic location: 9p21.3.
Variant type: single nucleotide variant.
Coding change: c.227C>T on transcript NM_000077.5; coding-DNA position 227, C replaced by T.
Protein change: p.Ala76Val; replaces alanine 76 with valine.
Molecular consequence: missense variant (on NM_000077.6). On other transcripts: synonymous variant (1), 3 prime UTR variant (1).
Genome position (GRCh38, 1-based): chr9:21,971,132, G>A on the plus strand (C>T on the coding strand, the complement: CDKN2A is on the minus strand). VCF-style: chr9-21971132-G-A. GRCh37 (hg19) VCF-style: chr9-21971131-G-A.
Other names: c.227C>T, p.Ala76Val (NM_000077.6, NM_001195132.2); c.74C>T, p.Ala25Val (NM_001363763.2); c.270C>T, p.Arg90= (NM_058195.4); c.*150C>T (NM_058197.5); short protein forms A25V, A76V.
Identifiers: ClinVar variation 4532853 (VCV004532853.1).

ClinVar aggregate classification (germline): Uncertain significance (1 of 4 stars; one submission).

Submission:

Quest Diagnostics Nichols Institute San Juan Capistrano
Classification: Uncertain significance. Last evaluated: 2025-03-17. Review status: criteria provided, single submitter. Criteria: Quest Diagnostics criteria. Collection method: clinical testing. Allele origin: unknown.
Comment: The CDKN2A c.227C>T (p.Ala76Val) variant is a missense variant in the p16 (NM_000077.4) isoform, and a synonymous variant c.270C>T (p.Arg90=) in the p14ARF (NM_058195.3) isoform. To the best of our knowledge, neither the p16 nor p14ARF variant has been reported as a germline variant in the published literature. This variant also has not been reported in large, multi-ethnic general populations (Genome Aggregation Database). Analysis of the p16 variant (p.Ala76Val) using bioinformatics tools for the prediction of the effect of amino acid changes on protein structure and function yielded conflicting predictions that this variant is deleterious or benign. Analysis of the synonymous p14ARF variant (p.Arg90=) using software algorithms for the prediction of the effect of nucleotide changes on splicing yielded predictions that this variant does not affect CDKN2A mRNA splicing. Based on the available information, we are unable to determine the clinical significance of this variant.